The following is an entry in ClinVar:

ClinVar aggregate classification (germline): Likely pathogenic (1 of 4 stars; one submission).

Submission:

Labcorp Genetics (formerly Invitae), Labcorp
Classification: Likely pathogenic. Last evaluated: 2019-09-09. Review status: criteria provided, single submitter. Criteria: Invitae Variant Classification Sherloc (09022015). Collection method: clinical testing. Allele origin: germline.
Comment: This variant is an in-frame deletion of the genomic region encompassing exon 9 of the ALPL gene. It preserves the integrity of the reading frame. This variant has not been reported in the literature in individuals with ALPL-related conditions. This variant disrupts the p.Asp294 amino acid residue in ALPL. Other variant(s) that disrupt this residue have been determined to be pathogenic (PMID: 25731960, 15694177, 1409720, 10839996). This suggests that this residue is clinically significant, and that variants that disrupt this residue are likely to be disease-causing. In summary, the currently available evidence indicates that the variant is pathogenic, but additional data are needed to prove that conclusively. Therefore, this variant has been classified as Likely Pathogenic.

Literature cited by the submitters: PubMed 25731960; PubMed 1409720; PubMed 10839996; PubMed 15694177.

NC_000001.11:g.(?_21573655)_(21573809_?)del

Gene: ALPL (alkaline phosphatase, biomineralization associated; plus strand). Cytogenetic location: 1p36.12.
Variant type: Deletion.
Identifiers: ClinVar variation 832569 (VCV000832569.1).